The following is an entry in ClinVar:

ClinVar aggregate classification (germline): Likely benign (1 of 4 stars; one submission).

Allele frequency attached by ClinVar (database versions not stated): TOPMed 0.00001.
gnomAD v4.1: 3 of 1,608,790 alleles (0.00019%); no homozygotes.

Submission:

CeGaT Center for Human Genetics Tuebingen
Classification: Likely benign. Last evaluated: 2026-07-01. Review status: criteria provided, single submitter. Criteria: CeGaT Center For Human Genetics Tuebingen Variant Classification Criteria Version 2. Collection method: clinical testing. Allele origin: germline. Affected: yes. Observed: 2 variant alleles.
Comment: ELN: BP4, BP7

NM_000501.4(ELN):c.1839C>G (p.Gly613=)

Gene: ELN (elastin; plus strand). Cytogenetic location: 7q11.23.
Variant type: single nucleotide variant.
Coding change: c.1839C>G on transcript NM_000501.4 (MANE Select); coding-DNA position 1839, C replaced by G.
Protein change: p.Gly613=; no amino-acid change (glycine 613 retained).
Molecular consequence: synonymous variant.
Genome position (GRCh38, 1-based): chr7:74,063,205, C>G. VCF-style: chr7-74063205-C-G. GRCh37 (hg19) VCF-style: chr7-73477535-C-G.
Other names: c.2025C>G, p.Gly675= (NM_001278939.2); c.1752C>G, p.Gly584= (NM_001081752.3); c.1797C>G, p.Gly599= (NM_001081753.3); c.1854C>G, p.Gly618= (NM_001081754.3); c.1782C>G, p.Gly594= (NM_001081755.3); c.1839C>G, p.Gly613= (NM_001278912.2); c.1596C>G, p.Gly532= (NM_001278913.2); c.1767C>G, p.Gly589= (NM_001278914.2); and 4 more.
Identifiers: ClinVar variation 2657581 (VCV002657581.24), dbSNP rs975548062, ClinGen allele CA160112152.
Genomic context (GRCh38, chr7:74,063,205, plus strand): 5'-CCCCGCAGGAGCAGCAGTGCCTGGGGTCCTTGGAGGGCTCGGGGCTCTCGGTGGAGTAGG[C>G]ATCCCAGGCGGTGTGGTGGGTGAGTTGAAACCCCAGGAGGGGCAGGGTGGGGAGGGAATC-3'
Protein context (NP_000492.2, residues 603-623): LGGLGALGGV[Gly613=]IPGGVVGAGP